The following is an entry in ClinVar:

ClinVar aggregate classification (germline): Uncertain significance (1 of 4 stars; one submission).

Conditions:
Inborn genetic diseases. Identifiers: MedGen C0950123, MeSH D030342.

Allele frequency attached by ClinVar (database versions not stated): gnomAD exomes 0.00001; gnomAD 0.00003.
gnomAD v4.1: 24 of 1,613,552 alleles (0.0015%); highest among the groups gnomAD compares: Non-Finnish European, 0.0019%; no homozygotes.

Submission:

Ambry Genetics
Classification: Uncertain significance for Inborn genetic diseases. Last evaluated: 2021-11-29. Review status: criteria provided, single submitter. Criteria: Ambry Variant Classification Scheme 2023. Collection method: clinical testing. Allele origin: germline.
Comment: The p.P1018A variant (also known as c.3052C>G), located in coding exon 23 of the DPYD gene, results from a C to G substitution at nucleotide position 3052. The proline at codon 1018 is replaced by alanine, an amino acid with highly similar properties. This amino acid position is conserved. In addition, this alteration is predicted to be deleterious by in silico analysis. Since supporting evidence is limited at this time, the clinical significance of this alteration remains unclear.

NM_000110.4(DPYD):c.3052C>G (p.Pro1018Ala)

Gene: DPYD (dihydropyrimidine dehydrogenase; minus strand). Cytogenetic location: 1p21.3.
Variant type: single nucleotide variant.
Coding change: c.3052C>G on transcript NM_000110.4 (MANE Select); coding-DNA position 3052, C replaced by G.
Protein change: p.Pro1018Ala; replaces proline 1018 with alanine.
Molecular consequence: missense variant.
Genome position (GRCh38, 1-based): chr1:97,079,002, G>C on the plus strand (C>G on the coding strand, the complement: DPYD is on the minus strand). VCF-style: chr1-97079002-G-C. GRCh37 (hg19) VCF-style: chr1-97544558-G-C.
Other names: short protein forms P1018A.
Identifiers: ClinVar variation 1799278 (VCV001799278.2), dbSNP rs956842768, ClinGen allele CA27458645.
Genomic context (GRCh38, chr1:97,079,002, plus strand): 5'-ATGAAAGTTCACAGCAACTGTTTCACAAATCACCTTAACACACCGGATTCACAGATAAGG[G>C]TACGCCTCTCTTTGGTTCATAAGGTGTTGTCCTGGAAACCATTTTGATGCAGTCGACAAT-3'
Protein context (NP_000101.2, residues 1008-1025): TTPYEPKRGV[Pro1018Ala]LSVNPVC